The following is an entry in ClinVar:

ClinVar aggregate classification (germline): Uncertain significance (1 of 4 stars; one submission).

Conditions:
Gorlin syndrome. Also called: Nevoid Basal Cell Carcinoma Syndrome; Basal cell nevus syndrome. Identifiers: Orphanet 377, MedGen C0004779, MONDO:0007187.
Medulloblastoma (MDB). Also called: Medulloblastoma, somatic; MEDULLOBLASTOMA PREDISPOSITION SYNDROME. Identifiers: Orphanet 616, MedGen C0025149, MeSH D008527, MONDO:0007959, OMIM 155255, HP:0002885.

Submission:

Labcorp Genetics (formerly Invitae), Labcorp
Classification: Uncertain significance for Gorlin syndrome; Medulloblastoma. Last evaluated: 2024-02-24. Review status: criteria provided, single submitter. Criteria: Invitae Variant Classification Sherloc (09022015). Collection method: clinical testing. Allele origin: germline.
Comment: This sequence change replaces proline, which is neutral and non-polar, with arginine, which is basic and polar, at codon 166 of the SUFU protein (p.Pro166Arg). This variant is not present in population databases (gnomAD no frequency). This variant has not been reported in the literature in individuals affected with SUFU-related conditions. Advanced modeling of protein sequence and biophysical properties (such as structural, functional, and spatial information, amino acid conservation, physicochemical variation, residue mobility, and thermodynamic stability) performed at Invitae indicates that this missense variant is not expected to disrupt SUFU protein function with a negative predictive value of 80%. In summary, the available evidence is currently insufficient to determine the role of this variant in disease. Therefore, it has been classified as a Variant of Uncertain Significance.

NM_016169.4(SUFU):c.497C>G (p.Pro166Arg)

Gene: SUFU (SUFU negative regulator of hedgehog signaling; plus strand). Cytogenetic location: 10q24.32.
Variant type: single nucleotide variant.
Coding change: c.497C>G on transcript NM_016169.4 (MANE Select); coding-DNA position 497, C replaced by G.
Protein change: p.Pro166Arg; replaces proline 166 with arginine.
Molecular consequence: missense variant.
Genome position (GRCh38, 1-based): chr10:102,592,624, C>G. VCF-style: chr10-102592624-C-G. GRCh37 (hg19) VCF-style: chr10-104352381-C-G.
Other names: c.497C>G, p.Pro166Arg (NM_001178133.2); short protein forms P166R.
Identifiers: ClinVar variation 3754906 (VCV003754906.2).